The following is an entry in ClinVar:

NM_014484.5(MOCS3):c.806C>T (p.Pro269Leu)

Gene: MOCS3 (molybdenum cofactor synthesis 3; plus strand). Cytogenetic location: 20q13.13.
Variant type: single nucleotide variant.
Coding change: c.806C>T on transcript NM_014484.5 (MANE Select); coding-DNA position 806, C replaced by T.
Protein change: p.Pro269Leu; replaces proline 269 with leucine.
Molecular consequence: missense variant.
Genome position (GRCh38, 1-based): chr20:50,959,648, C>T. VCF-style: chr20-50959648-C-T. GRCh37 (hg19) VCF-style: chr20-49576185-C-T.
Other names: c.806C>T (NM_014484.3); short protein forms P269L.
Identifiers: ClinVar variation 1498049 (VCV001498049.9), dbSNP rs750303095, ClinGen allele CA315264867.

ClinVar aggregate classification (germline): Uncertain significance. Review status: criteria provided, multiple submitters, no conflicts (2 of 4 stars). 2 submissions from 2 submitters: Uncertain significance (2). Last evaluated 2025-03-30.

Allele frequency attached by ClinVar (database versions not stated): gnomAD 0.00001; TOPMed 0.00001.

Submissions (2):

Ambry Genetics
Classification: Uncertain significance. Last evaluated: 2025-03-30. Review status: criteria provided, single submitter. Criteria: Ambry Variant Classification Scheme 2023. Collection method: clinical testing. Allele origin: germline.

Labcorp Genetics (formerly Invitae), Labcorp
Classification: Uncertain significance. Last evaluated: 2022-12-27. Review status: criteria provided, single submitter. Criteria: Invitae Variant Classification Sherloc (09022015). Collection method: clinical testing. Allele origin: germline.
Comment: This sequence change replaces proline, which is neutral and non-polar, with leucine, which is neutral and non-polar, at codon 269 of the MOCS3 protein (p.Pro269Leu). This variant is not present in population databases (gnomAD no frequency). This variant has not been reported in the literature in individuals affected with MOCS3-related conditions. ClinVar contains an entry for this variant (Variation ID: 1498049). Algorithms developed to predict the effect of missense changes on protein structure and function (SIFT, PolyPhen-2, Align-GVGD) all suggest that this variant is likely to be tolerated. In summary, the available evidence is currently insufficient to determine the role of this variant in disease. Therefore, it has been classified as a Variant of Uncertain Significance.